The following is an entry in ClinVar:

NM_001365276.2(TNXB):c.2176C>T (p.Arg726Ter)

Gene: TNXB (tenascin XB; minus strand). Cytogenetic location: 6p21.33.
Variant type: single nucleotide variant.
Coding change: c.2176C>T on transcript NM_001365276.2 (MANE Select); coding-DNA position 2176, C replaced by T.
Protein change: p.Arg726Ter; replaces arginine 726 with a stop codon.
Molecular consequence: nonsense.
Genome position (GRCh38, 1-based): chr6:32,095,677, G>A on the plus strand (C>T on the coding strand, the complement: TNXB is on the minus strand). VCF-style: chr6-32095677-G-A. GRCh37 (hg19) VCF-style: chr6-32063454-G-A.
Other names: c.2176C>T, p.Arg726Ter (NM_001428335.1, NM_019105.8); short protein forms R726*.
Identifiers: ClinVar variation 5007032 (VCV005007032.3).
Genomic context (GRCh38, chr6:32,095,677, plus strand): 5'-CGCAGTCTTCGCCAGCATACCCATCTTTGCAGACACAGCTGCCATCGTGACACTCTCCTC[G>A]GCCACGGCAGTCCCCTGGGCATGTCTGGATGGCACAGTCAGGGCCTCGGAAGCCCTCTAC-3'

ClinVar aggregate classification (germline): Pathogenic/Likely pathogenic. Review status: criteria provided, multiple submitters, no conflicts (2 of 4 stars). 2 submissions from 2 submitters: Pathogenic (1); Likely pathogenic (1). Last evaluated 2025-08-18.

Conditions:
Ehlers-Danlos syndrome due to tenascin-X deficiency (EDSCLL1). Also called: EHLERS-DANLOS SYNDROME, CLASSIC-LIKE; Ehlers-Danlos syndrome, classic-like, 1; TNX DEFICIENCY; TNXB-Related Classical-Like Ehlers-Danlos Syndrome; EDS DUE TO TNX DEFICIENCY. Identifiers: Orphanet 230839, MedGen C1848029, MONDO:0011670, OMIM 606408.

gnomAD v4.1: 11 of 1,613,952 alleles (0.00068%); highest among the groups gnomAD compares: Non-Finnish European, 0.00093%; no homozygotes.

Submissions (2):

Myriad Genetics, Inc.
Classification: Pathogenic for Ehlers-Danlos syndrome due to tenascin-X deficiency. Last evaluated: 2025-08-18. Review status: criteria provided, single submitter. Criteria: Myriad Autosomal Dominant, Autosomal Recessive and X-Linked Classification Criteria (2023). Collection method: clinical testing. Allele origin: unknown.
Comment: NM_019105.6(TNXB):c.2176C>T(R726*) is expected to be pathogenic in the context of classical-like Ehlers-Danlos syndrome, TNXB-related. This variant is predicted to lead to an abnormal or absent protein product due to the creation of a premature termination codon in TNXB, a gene where loss-of-function variants are known to be pathogenic. Please note: this variant was assessed in the context of healthy population screening.

Juno Genomics, Hangzhou Juno Genomics, Inc
Classification: Likely pathogenic for Ehlers-Danlos syndrome due to tenascin-X deficiency. Review status: criteria provided, single submitter. Criteria: ACMG Guidelines, 2015. Collection method: clinical testing. Allele origin: germline.
Comment: Null variant in a gene where loss of function (LOF) is a known mechanism of disease.;Absent from controls (or at extremely low frequency if recessive) in Genome Aggregation Database.